The following is an entry in ClinVar:

NM_001034853.2(RPGR):c.356del (p.Leu119fs)

Gene: RPGR (retinitis pigmentosa GTPase regulator; minus strand). Cytogenetic location: Xp11.4.
Variant type: Deletion.
Coding change: c.356del on transcript NM_001034853.2 (MANE Select); coding-DNA position 356, one base deleted (T; older notation c.356delT).
Protein change: p.Leu119fs; shifts the reading frame from leucine 119.
Molecular consequence: frameshift variant. On other transcripts: non-coding transcript variant (6).
Genome position (GRCh38, 1-based): chrX:38,318,942, A deleted on the plus strand (T on the coding strand, the reverse complement: RPGR is on the minus strand); the first of 2 consecutive A bases (chrX:38,318,942-38,318,943); deleting either gives the same sequence. VCF-style (leftmost placement, unchanged base first): chrX-38318941-CA-C. GRCh37 (hg19) VCF-style: chrX-38178194-CA-C.
Other names: NM_001034853.2(RPGR):c.356del; p.Leu119fs; c.356del, p.Leu119fs (NM_000328.3, NM_001367245.1, NM_001367246.1 and 3 more transcripts); c.386del, p.Leu129fs (NM_001367248.1); c.353del, p.Leu118fs (NM_001367249.1); c.356delT (NM_001034853.2); short protein forms L118fs, L129fs, L119fs.
Identifiers: ClinVar variation 98782 (VCV000098782.2), dbSNP rs62638641, ClinGen allele CA226414.

ClinVar aggregate classification (germline): Pathogenic. Review status: reviewed by expert panel (3 of 4 stars). 3 submissions from 3 submitters: Pathogenic (1). 2 of the submissions do not count toward it. Last evaluated 2025-09-05.

Conditions:
RPGR-related retinopathy. Also called: RPGR retinopathy. Identifiers: MedGen CN305589, MONDO:0100437.
X-linked RPGR-related disorders.

Submissions (3):

ClinGen X-linked Inherited Retinal Disease Variant Curation Expert Panel, ClinGen
Classification: Pathogenic for RPGR-related retinopathy. Last evaluated: 2025-09-05. Review status: reviewed by expert panel. Criteria: ClinGen X LinkedIRD ACMG Specifications RPGR V1.0.0. Collection method: curation. Allele origin: germline. Inheritance: X-linked inheritance.
Comment: NM_001034853.2(RPGR):c.356del (p.Leu119TrpfsTer14) is a frameshift variant located in exon 5 of 15, which results in a premature stop codon after 14 amino acids and is predicted to trigger nonsense-mediated decay (PVS1). This variant is absent from gnomAD v4.1.0 (PM2_Supporting). This variant has been reported in at least 2 apparently unrelated probands meeting one of the PS4 requirements of a male with some functional vision impairment by age 30 years and/or decreased or absent electroretinogram responses, or a female with functional visual abnormality and documentation of a male relative affected with retinitis pigmentosa (PMID: 17325176, PMID: 21857984, PS4_Supporting). In summary, this variant is classified as pathogenic for RPGR-related retinopathy based on the ClinGen X-linked Inherited Retinal Disease Expert Panel Specifications to the ACMG/AMP Variant Interpretation Guidelines for RPGR Version 1.0.0; PVS1, PM2_Supporting, and PS4_Supporting.

Variantyx, Inc.
Classification: Likely pathogenic for X-linked RPGR-related disorders. Last evaluated: 2025-10-31. Review status: criteria provided, single submitter. Criteria: Variantyx Assertion Criteria 2022. Collection method: clinical testing. Allele origin: maternal. Inheritance: X-linked recessive inheritance. Not counted in ClinVar's aggregate classification.
Comment: This is a frameshift variant in the RPGR gene (OMIM: 312610). Pathogenic variants in this gene have been associated with X-linked RPGR-related disorders. This variant introduces a premature termination codon in exon 5 out of 15 and is expected to result in loss of function, which is a known disease mechanism for RPGR in this disorder (PMID: 8673101) (PVS1). This variant is absent from control populations (PM2) and has been reported in the hemizygous state in an affected individual (PMID: 10937588). Based on the current evidence, this variant is classified as likely pathogenic for X-linked RPGR-related disorders.

Retina International
No classification provided. Review status: no classification provided. Collection method: not provided. Allele origin: not provided. Not counted in ClinVar's aggregate classification.

Literature cited by the submitters: PubMed 8673101 (cited by Variantyx, Inc.); PubMed 10937588 (cited by Variantyx, Inc.).